The following is an entry in ClinVar:

NM_002878.4(RAD51D):c.324C>A (p.Gly108=)

Genes: RAD51L3-RFFL (RAD51L3-RFFL readthrough; minus strand), RAD51D (RAD51 paralog D; minus strand). Cytogenetic location: 17q12.
Variant type: single nucleotide variant.
Coding change: c.324C>A on transcript NM_002878.4 (MANE Select); coding-DNA position 324, C replaced by A.
Protein change: p.Gly108=; no amino-acid change (glycine 108 retained).
Molecular consequence: synonymous variant. On other transcripts: non-coding transcript variant (2), intron variant (1).
Genome position (GRCh38, 1-based): chr17:35,107,387, G>T on the plus strand (C>A on the coding strand, the complement: RAD51D is on the minus strand). VCF-style: chr17-35107387-G-T. GRCh37 (hg19) VCF-style: chr17-33434406-G-T.
Other names: c.384C>A, p.Gly128= (NM_001142571.2); c.145-906C>A (NM_133629.3).
Identifiers: ClinVar variation 1729386 (VCV001729386.7), dbSNP rs758132417, ClinGen allele CA499731877.

ClinVar aggregate classification (germline): Benign/Likely benign. Review status: criteria provided, multiple submitters, no conflicts (2 of 4 stars). 4 submissions from 4 submitters: Benign (1); Likely benign (3). Last evaluated 2025-02-21.

Conditions:
Hereditary cancer-predisposing syndrome. Also called: Neoplastic Syndromes, Hereditary; Tumor predisposition; Hereditary Cancer Syndrome; Hereditary neoplastic syndrome. Identifiers: Orphanet 140162, MedGen C0027672, MeSH D009386, MONDO:0015356.
Breast-ovarian cancer, familial, susceptibility to, 4. Identifiers: Orphanet 145, MedGen C3280345, MONDO:0013669, OMIM 614291.

Submissions (4):

Myriad Genetics, Inc.
Classification: Benign for Breast-ovarian cancer, familial, susceptibility to, 4. Last evaluated: 2025-02-21. Review status: criteria provided, single submitter. Criteria: Myriad Autosomal Dominant, Autosomal Recessive and X-Linked Classification Criteria (2023). Collection method: clinical testing. Allele origin: unknown.
Comment: This variant is considered benign. This variant is a silent/synonymous amino acid change and it is not expected to impact splicing.

Color Diagnostics, LLC DBA Color Health
Classification: Likely benign for Hereditary cancer-predisposing syndrome. Last evaluated: 2024-04-07. Review status: criteria provided, single submitter. Criteria: ACMG Guidelines, 2015. Collection method: clinical testing. Allele origin: germline.

Labcorp Genetics (formerly Invitae), Labcorp
Classification: Likely benign for Breast-ovarian cancer, familial, susceptibility to, 4. Last evaluated: 2024-01-24. Review status: criteria provided, single submitter. Criteria: Invitae Variant Classification Sherloc (09022015). Collection method: clinical testing. Allele origin: germline.

Ambry Genetics
Classification: Likely benign for Hereditary cancer-predisposing syndrome. Last evaluated: 2020-01-24. Review status: criteria provided, single submitter. Criteria: Ambry Variant Classification Scheme 2023. Collection method: clinical testing. Allele origin: germline.